The following is an entry in ClinVar:

NM_014363.6(SACS):c.350del (p.Glu116_Leu117insTer)

Gene: SACS (sacsin molecular chaperone; minus strand). Cytogenetic location: 13q12.12.
Variant type: Deletion.
Coding change: c.350del on transcript NM_014363.6 (MANE Select); coding-DNA position 350, one base deleted (T; older notation c.350delT).
Protein change: p.Glu116_Leu117insTer.
Molecular consequence: nonsense. On other transcripts: 5 prime UTR variant (1).
Genome position (GRCh38, 1-based): chr13:23,365,273, A deleted on the plus strand (T on the coding strand, the reverse complement: SACS is on the minus strand); the first of 2 consecutive A bases (chr13:23,365,273-23,365,274); deleting either gives the same sequence. VCF-style (leftmost placement, unchanged base first): chr13-23365272-TA-T. GRCh37 (hg19) VCF-style: chr13-23939411-TA-T.
Other names: c.-92del (NM_001278055.2).
Identifiers: ClinVar variation 2742859 (VCV002742859.3), dbSNP rs2542442890, ClinGen allele CA2697551660.

ClinVar aggregate classification (germline): Pathogenic (1 of 4 stars; one submission).

Conditions:
Spastic paraplegia. Identifiers: MedGen C0037772, HP:0001258.

Submission:

Labcorp Genetics (formerly Invitae), Labcorp
Classification: Pathogenic for Spastic paraplegia. Last evaluated: 2023-07-13. Review status: criteria provided, single submitter. Criteria: Invitae Variant Classification Sherloc (09022015). Collection method: clinical testing. Allele origin: germline.
Comment: For these reasons, this variant has been classified as Pathogenic. This variant has not been reported in the literature in individuals affected with SACS-related conditions. This variant is not present in population databases (gnomAD no frequency). This sequence change creates a premature translational stop signal (p.Leu117*) in the SACS gene. It is expected to result in an absent or disrupted protein product. Loss-of-function variants in SACS are known to be pathogenic (PMID: 18465152, 20876471).

Literature cited by the submitters: PubMed 18465152; PubMed 20876471.